The following is an entry in ClinVar:

ClinVar aggregate classification (germline): Likely benign (1 of 4 stars; one submission).

Allele frequency attached by ClinVar (database versions not stated): gnomAD 0.00001; ExAC 0.00002.
gnomAD v4.1: 21 of 1,613,642 alleles (0.0013%); highest among the groups gnomAD compares: South Asian, 0.0022%; no homozygotes.

Submission:

CeGaT Center for Human Genetics Tuebingen
Classification: Likely benign. Last evaluated: 2023-05-01. Review status: criteria provided, single submitter. Criteria: CeGaT Center For Human Genetics Tuebingen Variant Classification Criteria Version 2. Collection method: clinical testing. Allele origin: germline. Affected: yes. Observed: 1 variant allele.
Comment: EIF2AK2: BP4, BP7

NM_001135651.3(EIF2AK2):c.1386G>A (p.Ser462=)

Gene: EIF2AK2 (eukaryotic translation initiation factor 2 alpha kinase 2; minus strand). Cytogenetic location: 2p22.2.
Variant type: single nucleotide variant.
Coding change: c.1386G>A on transcript NM_001135651.3 (MANE Select); coding-DNA position 1386, G replaced by A.
Protein change: p.Ser462=; no amino-acid change (serine 462 retained).
Molecular consequence: synonymous variant.
Genome position (GRCh38, 1-based): chr2:37,109,287, C>T on the plus strand (G>A on the coding strand, the complement: EIF2AK2 is on the minus strand). VCF-style: chr2-37109287-C-T. GRCh37 (hg19) VCF-style: chr2-37336430-C-T.
Other names: c.1263G>A, p.Ser421= (NM_001135652.3); c.1386G>A, p.Ser462= (NM_002759.4).
Identifiers: ClinVar variation 2650832 (VCV002650832.24), dbSNP rs774118494, ClinGen allele CA1615009.
Genomic context (GRCh38, chr2:37,109,287, plus strand): 5'-AAGAAGTTCAGCAAGAATTAGCCCCAAAGCGTAGAGGTCCACTTCCTTTCCATAGTCTTG[C>T]GAAGAAATCTAAAGAGACCAAAATAGATTTACCTTTGTTATGCTCCTTACATAAATATCC-3'
Protein context (NP_001129123.1, residues 452-472): LRYMSPEQIS[Ser462=]QDYGKEVDLY